The following is an entry in ClinVar:

NM_001852.4(COL9A2):c.1546G>T (p.Glu516Ter)

Gene: COL9A2 (collagen type IX alpha 2 chain; minus strand). Cytogenetic location: 1p34.2.
Variant type: single nucleotide variant.
Coding change: c.1546G>T on transcript NM_001852.4 (MANE Select); coding-DNA position 1546, G replaced by T.
Protein change: p.Glu516Ter; replaces glutamic acid 516 with a stop codon.
Molecular consequence: nonsense.
Genome position (GRCh38, 1-based): chr1:40,303,532, C>A on the plus strand (G>T on the coding strand, the complement: COL9A2 is on the minus strand). VCF-style: chr1-40303532-C-A. GRCh37 (hg19) VCF-style: chr1-40769204-C-A.
Other names: short protein forms E516*.
Identifiers: ClinVar variation 2009390 (VCV002009390.4), dbSNP rs1643950236, ClinGen allele CA339877766.
Genomic context (GRCh38, chr1:40,303,532, plus strand): 5'-CGCACCCCAGAACAGATCTACCTAGAAGAAGCACCTCCTACCCCGGGGCCCGACTCACCT[C>A]CACGCCCTGTCTCCCGGGCTGTCCTGGCACGCCTCGGTTCCCGGCCAGTCCTCGAGGGCC-3'

ClinVar aggregate classification (germline): Pathogenic (1 of 4 stars; one submission).

Allele frequency attached by ClinVar (database versions not stated): TOPMed below 0.00001.

Submission:

Labcorp Genetics (formerly Invitae), Labcorp
Classification: Pathogenic. Last evaluated: 2022-06-22. Review status: criteria provided, single submitter. Criteria: Invitae Variant Classification Sherloc (09022015). Collection method: clinical testing. Allele origin: germline.
Comment: For these reasons, this variant has been classified as Pathogenic. This variant has not been reported in the literature in individuals affected with COL9A2-related conditions. This variant is not present in population databases (gnomAD no frequency). This sequence change creates a premature translational stop signal (p.Glu516*) in the COL9A2 gene. It is expected to result in an absent or disrupted protein product. Loss-of-function variants in COL9A2 are known to be pathogenic (PMID: 21671392, 33356723).

Literature cited by the submitters: PubMed 21671392; PubMed 33356723.